The following is an entry in ClinVar:

ClinVar aggregate classification (germline): Uncertain significance. Review status: criteria provided, single submitter (1 of 4 stars). 2 submissions from 2 submitters: Uncertain significance (1). 1 of the submissions does not count toward it. Last evaluated 2024-01-19.

Conditions:
Inborn genetic diseases. Identifiers: MedGen C0950123, MeSH D030342.
Griscelli syndrome type 2 (GS2). Also called: GRISCELLI SYNDROME WITH HEMOPHAGOCYTIC SYNDROME; PAID SYNDROME; PARTIAL ALBINISM AND IMMUNODEFICIENCY SYNDROME. Identifiers: Orphanet 381, Orphanet 79477, MedGen C1868679, MONDO:0011872, OMIM 607624.

Allele frequency attached by ClinVar (database versions not stated): gnomAD exomes below 0.00001.
gnomAD v4.1: 1 of 1,613,774 alleles (0.000062%); highest among the groups gnomAD compares: Non-Finnish European, 0.000085%; no homozygotes.

Submissions (2):

Ambry Genetics
Classification: Uncertain significance for Inborn genetic diseases. Last evaluated: 2024-01-19. Review status: criteria provided, single submitter. Criteria: Ambry Variant Classification Scheme 2023. Collection method: clinical testing. Allele origin: germline.

Department of Pediatrics, Hirosaki University Graduate School of Medicine
Classification: Uncertain significance for Griscelli syndrome type 2. Last evaluated: 2026-04-02. Review status: no assertion criteria provided. Collection method: clinical testing. Allele origin: germline. Inheritance: Autosomal recessive inheritance. Affected: no. Not counted in ClinVar's aggregate classification.
Comment: This variant is classified as a variant of uncertain significance. These findings are insufficient to support a pathogenic or benign classification.

NM_183235.3(RAB27A):c.280G>A (p.Gly94Ser)

Gene: RAB27A (RAB27A, member RAS oncogene family; minus strand). Cytogenetic location: 15q21.3.
Variant type: single nucleotide variant.
Coding change: c.280G>A on transcript NM_183235.3 (MANE Select); coding-DNA position 280, G replaced by A.
Protein change: p.Gly94Ser; replaces glycine 94 with serine.
Molecular consequence: missense variant.
Genome position (GRCh38, 1-based): chr15:55,228,672, C>T on the plus strand (G>A on the coding strand, the complement: RAB27A is on the minus strand). VCF-style: chr15-55228672-C-T. GRCh37 (hg19) VCF-style: chr15-55520870-C-T.
Other names: c.280G>A, p.Gly94Ser (NM_004580.5, NM_183234.3, NM_183236.3); short protein forms G94S.
Identifiers: ClinVar variation 3150656 (VCV003150656.2), dbSNP rs2542777673, ClinGen allele CA392530466.